The following is an entry in ClinVar:

NM_000384.3(APOB):c.1662G>A (p.Pro554=)

Gene: APOB (apolipoprotein B; minus strand). Cytogenetic location: 2p24.1.
Variant type: single nucleotide variant.
Coding change: c.1662G>A on transcript NM_000384.3 (MANE Select); coding-DNA position 1662, G replaced by A.
Protein change: p.Pro554=; no amino-acid change (proline 554 retained).
Molecular consequence: synonymous variant.
Genome position (GRCh38, 1-based): chr2:21,028,494, C>T on the plus strand (G>A on the coding strand, the complement: APOB is on the minus strand). VCF-style: chr2-21028494-C-T. GRCh37 (hg19) VCF-style: chr2-21251366-C-T.
Identifiers: ClinVar variation 942270 (VCV000942270.13), dbSNP rs149835778, ClinGen allele CA054353.
Genomic context (GRCh38, chr2:21,028,494, plus strand): 5'-AATATCTGCCTGTGAAGGACTCCTCATCAACATAAGATAGGCAGCCAGTCGCTTATCTCC[C>T]GGAGAAGCATCATCAAGGAAAGTCTGAAGAAGAACCTCCTGGTCCTGCAGTCAAAAGAGG-3'
Protein context (NP_000375.3, residues 544-564): LLQTFLDDAS[Pro554=]GDKRLAAYLM

ClinVar aggregate classification (germline): Likely benign. Review status: criteria provided, multiple submitters, no conflicts (2 of 4 stars). 2 submissions from 2 submitters: Likely benign (2). Last evaluated 2025-01-31.

Conditions:
Familial hypobetalipoproteinemia 1. Also called: Hypobetalipoproteinemia, normotriglyceridemic; Acanthocytosis with hypobetalipoproteinemia; APOB-Related Familial Hypobetalipoproteinemia. Identifiers: MedGen C4551990, MONDO:0014252, OMIM 615558.
Hypercholesterolemia, autosomal dominant, type B (FHCL2). Also called: Familial Hypercholesterolemia Type B; HYPERCHOLESTEROLEMIA, FAMILIAL, DUE TO LIGAND-DEFECTIVE APOLIPOPROTEIN B; Familial hypercholesterolemia 2; APOB-Related Familial Hypercholesterolemia, Autosomal Dominant; APOLIPOPROTEIN B-100, FAMILIAL DEFECTIVE; APOLIPOPROTEIN B-100, FAMILIAL LIGAND-DEFECTIVE. Identifiers: MedGen C1704417, MONDO:0007751, OMIM 144010.
Familial hypercholesterolemia. Also called: Familial hypercholesterolemias; Familial hypercholesterolaemia. Identifiers: MedGen C0020445, MONDO:0005439.

Allele frequency attached by ClinVar (database versions not stated): ExAC 0.00002; gnomAD exomes 0.00002 and 0.00003; TOPMed 0.00005; ESP Exome Variant Server 0.00008; gnomAD 0.00010; 1000 Genomes Project 30x 0.00016; 1000 Genomes Project 0.00020.

Submissions (2):

Labcorp Genetics (formerly Invitae), Labcorp
Classification: Likely benign for Familial hypobetalipoproteinemia 1; Hypercholesterolemia, autosomal dominant, type B. Last evaluated: 2025-01-31. Review status: criteria provided, single submitter. Criteria: Invitae Variant Classification Sherloc (09022015). Collection method: clinical testing. Allele origin: germline.

GENinCode PLC
Classification: Likely benign for Familial hypercholesterolemia. Last evaluated: 2024-05-22. Review status: criteria provided, single submitter. Criteria: ACMG Guidelines, 2015. Collection method: clinical testing. Allele origin: germline.
Comment: This is a synonymous (silent) variant that is not predicted by SpliceAI to impact splicing. In addition, it occurs at a nucleotide that is not conserved. Therefore this variant has been classified as Likely Benign (BP4, BP7).